The following is an entry in ClinVar:

NM_152617.4(RNF168):c.1680A>G (p.Lys560=)

Gene: RNF168 (ring finger protein 168; minus strand). Cytogenetic location: 3q29.
Variant type: single nucleotide variant.
Coding change: c.1680A>G on transcript NM_152617.4 (MANE Select); coding-DNA position 1680, A replaced by G.
Protein change: p.Lys560=; no amino-acid change (lysine 560 retained).
Molecular consequence: synonymous variant.
Genome position (GRCh38, 1-based): chr3:196,471,855, T>C on the plus strand (A>G on the coding strand, the complement: RNF168 is on the minus strand). VCF-style: chr3-196471855-T-C. GRCh37 (hg19) VCF-style: chr3-196198726-T-C.
Identifiers: ClinVar variation 718274 (VCV000718274.11), dbSNP rs114942759, ClinGen allele CA2780614.

ClinVar aggregate classification (germline): Likely benign. Review status: criteria provided, multiple submitters, no conflicts (2 of 4 stars). 3 submissions from 3 submitters: Likely benign (2). 1 of the submissions does not count toward it. Last evaluated 2026-01-15.

Conditions:
RNF168-related disorder. Also called: RNF168-related condition.

Allele frequency attached by ClinVar (database versions not stated): 1000 Genomes Project 0.00040; 1000 Genomes Project 30x 0.00047; ExAC 0.00059; ESP Exome Variant Server 0.00069; gnomAD exomes 0.00078 and 0.00149; gnomAD 0.00109 and 0.00114; TOPMed 0.00120.
gnomAD v4.1: 2,335 of 1,613,996 alleles (0.14%); highest among the groups gnomAD compares: Non-Finnish European, 0.18%; 6 homozygotes.

Submissions (3):

Labcorp Genetics (formerly Invitae), Labcorp
Classification: Likely benign. Last evaluated: 2026-01-15. Review status: criteria provided, single submitter. Criteria: Invitae Variant Classification Sherloc (09022015). Collection method: clinical testing. Allele origin: germline.

Blueprint Genetics
Classification: Likely benign. Last evaluated: 2024-11-23. Review status: criteria provided, single submitter. Criteria: ACMG Guidelines, 2015. Collection method: clinical testing. Allele origin: germline.

PreventionGenetics, part of Exact Sciences
Classification: Likely benign for RNF168-related condition. Last evaluated: 2024-04-23. Review status: no assertion criteria provided. Collection method: clinical testing. Allele origin: germline. Not counted in ClinVar's aggregate classification.
Comment: This variant is classified as likely benign based on ACMG/AMP sequence variant interpretation guidelines (Richards et al. 2015 PMID: 25741868, with internal and published modifications).